The following is an entry in ClinVar:

ClinVar aggregate classification (germline): Uncertain significance (1 of 4 stars; one submission).

Conditions:
Baller-Gerold syndrome (BGS). Also called: CRANIOSYNOSTOSIS WITH RADIAL DEFECTS. Identifiers: Orphanet 1225, MedGen C0265308, MONDO:0009039, OMIM 218600.

Submission:

Labcorp Genetics (formerly Invitae), Labcorp
Classification: Uncertain significance for Baller-Gerold syndrome. Last evaluated: 2023-10-22. Review status: criteria provided, single submitter. Criteria: Invitae Variant Classification Sherloc (09022015). Collection method: clinical testing. Allele origin: germline.
Comment: This sequence change replaces glutamine, which is neutral and polar, with arginine, which is basic and polar, at codon 980 of the RECQL4 protein (p.Gln980Arg). This variant is not present in population databases (gnomAD no frequency). This variant has not been reported in the literature in individuals affected with RECQL4-related conditions. Advanced modeling of protein sequence and biophysical properties (such as structural, functional, and spatial information, amino acid conservation, physicochemical variation, residue mobility, and thermodynamic stability) performed at Invitae indicates that this missense variant is not expected to disrupt RECQL4 protein function. In summary, the available evidence is currently insufficient to determine the role of this variant in disease. Therefore, it has been classified as a Variant of Uncertain Significance.

NM_004260.4(RECQL4):c.2939A>G (p.Gln980Arg)

Gene: RECQL4 (RecQ like helicase 4; minus strand). Cytogenetic location: 8q24.3.
Variant type: single nucleotide variant.
Coding change: c.2939A>G on transcript NM_004260.4 (MANE Select); coding-DNA position 2939, A replaced by G.
Protein change: p.Gln980Arg; replaces glutamine 980 with arginine.
Molecular consequence: missense variant. On other transcripts: non-coding transcript variant (3).
Genome position (GRCh38, 1-based): chr8:144,512,508, T>C on the plus strand (A>G on the coding strand, the complement: RECQL4 is on the minus strand). VCF-style: chr8-144512508-T-C. GRCh37 (hg19) VCF-style: chr8-145737891-T-C.
Other names: c.2645A>G, p.Gln882Arg (NM_001413017.1); c.2741A>G, p.Gln914Arg (NM_001413018.1); c.3014A>G, p.Gln1005Arg (NM_001413019.1); c.2843A>G, p.Gln948Arg (NM_001413020.1); c.1868A>G, p.Gln623Arg (NM_001413021.1, NM_001413022.1, NM_001413024.1 and 4 more transcripts); c.1943A>G, p.Gln648Arg (NM_001413023.1); c.2810A>G, p.Gln937Arg (NM_001413025.1); c.1802A>G, p.Gln601Arg (NM_001413027.1, NM_001413030.1, NM_001413032.1); and 9 more; short protein forms Q491R, Q623R, Q882R, Q1005R, Q601R, Q626R, Q936R, Q613R.
Identifiers: ClinVar variation 2732108 (VCV002732108.2), dbSNP rs2537987009, ClinGen allele CA372673309.